The following is an entry in ClinVar:

NM_004260.4(RECQL4):c.1547C>T (p.Ala516Val)

Gene: RECQL4 (RecQ like helicase 4; minus strand). Cytogenetic location: 8q24.3.
Variant type: single nucleotide variant.
Coding change: c.1547C>T on transcript NM_004260.4 (MANE Select); coding-DNA position 1547, C replaced by T.
Protein change: p.Ala516Val; replaces alanine 516 with valine.
Molecular consequence: missense variant.
Genome position (GRCh38, 1-based): chr8:144,515,009, G>A on the plus strand (C>T on the coding strand, the complement: RECQL4 is on the minus strand). VCF-style: chr8-144515009-G-A. GRCh37 (hg19) VCF-style: chr8-145740393-G-A.
Other names: short protein forms A516V.
Identifiers: ClinVar variation 565388 (VCV000565388.6), dbSNP rs762113412, ClinGen allele CA4948807.

ClinVar aggregate classification (germline): Uncertain significance (1 of 4 stars; one submission).

Conditions:
Baller-Gerold syndrome (BGS). Also called: CRANIOSYNOSTOSIS WITH RADIAL DEFECTS. Identifiers: Orphanet 1225, MedGen C0265308, MONDO:0009039, OMIM 218600.

Allele frequency attached by ClinVar (database versions not stated): gnomAD exomes below 0.00001 and 0.00001; TOPMed below 0.00001; ExAC 0.00001.
gnomAD v4.1: 9 of 1,610,938 alleles (0.00056%); highest among the groups gnomAD compares: East Asian, 0.0022%; no homozygotes.

Submission:

Labcorp Genetics (formerly Invitae), Labcorp
Classification: Uncertain significance for Baller-Gerold syndrome. Last evaluated: 2025-09-29. Review status: criteria provided, single submitter. Criteria: Invitae Variant Classification Sherloc (09022015). Collection method: clinical testing. Allele origin: germline.
Comment: This sequence change replaces alanine, which is neutral and non-polar, with valine, which is neutral and non-polar, at codon 516 of the RECQL4 protein (p.Ala516Val). The frequency data for this variant in the population databases is considered unreliable, as metrics indicate poor data quality at this position in the gnomAD database. This variant has not been reported in the literature in individuals affected with RECQL4-related conditions. ClinVar contains an entry for this variant (Variation ID: 565388). Invitae Evidence Modeling of protein sequence and biophysical properties (such as structural, functional, and spatial information, amino acid conservation, physicochemical variation, residue mobility, and thermodynamic stability) indicates that this missense variant is expected to disrupt RECQL4 protein function with a positive predictive value of 80%. In summary, the available evidence is currently insufficient to determine the role of this variant in disease. Therefore, it has been classified as a Variant of Uncertain Significance.